The following is an entry in ClinVar:

NM_024996.7(GFM1):c.1180C>T (p.Arg394Trp)

Gene: GFM1 (G elongation factor mitochondrial 1; plus strand). Cytogenetic location: 3q25.32.
Variant type: single nucleotide variant.
Coding change: c.1180C>T on transcript NM_024996.7 (MANE Select); coding-DNA position 1180, C replaced by T.
Protein change: p.Arg394Trp; replaces arginine 394 with tryptophan.
Molecular consequence: missense variant. On other transcripts: non-coding transcript variant (4), intron variant (1).
Genome position (GRCh38, 1-based): chr3:158,659,018, C>T. VCF-style: chr3-158659018-C-T. GRCh37 (hg19) VCF-style: chr3-158376807-C-T.
Other names: c.1237C>T, p.Arg413Trp (NM_001308164.2); c.1180C>T, p.Arg394Trp (NM_001308166.2); c.1063C>T, p.Arg355Trp (NM_001374356.1); c.955C>T, p.Arg319Trp (NM_001374357.1); c.721C>T, p.Arg241Trp (NM_001374358.1); c.613C>T, p.Arg205Trp (NM_001374359.1, NM_001374360.1); c.496C>T, p.Arg166Trp (NM_001374361.1); c.1141-1856C>T (NM_001374355.1); short protein forms R241W, R319W, R355W, R413W, R166W, R205W, R394W.
Identifiers: ClinVar variation 966719 (VCV000966719.4), dbSNP rs183140307, ClinGen allele CA2682553.

ClinVar aggregate classification (germline): Uncertain significance. Review status: criteria provided, single submitter (1 of 4 stars). 2 submissions from 2 submitters: Uncertain significance (1). 1 of the submissions does not count toward it. Last evaluated 2021-08-28.

Conditions:
Hepatoencephalopathy due to combined oxidative phosphorylation defect type 1. Also called: HEPATOENCEPHALOPATHY, EARLY FATAL PROGRESSIVE. Identifiers: Orphanet 137681, MedGen C1836797, MONDO:0012191, OMIM 609060.

Allele frequency attached by ClinVar (database versions not stated): gnomAD 0.00001 and 0.00003; ExAC 0.00002; gnomAD exomes 0.00002 and 0.00005; TOPMed 0.00004; 1000 Genomes Project 30x 0.00016; 1000 Genomes Project 0.00020.
gnomAD v4.1: 28 of 1,614,126 alleles (0.0017%); highest among the groups gnomAD compares: Admixed American, 0.032%; 1 homozygote.

Submissions (2):

Labcorp Genetics (formerly Invitae), Labcorp
Classification: Uncertain significance. Last evaluated: 2021-08-28. Review status: criteria provided, single submitter. Criteria: Invitae Variant Classification Sherloc (09022015). Collection method: clinical testing. Allele origin: germline.
Comment: This sequence change replaces arginine with tryptophan at codon 394 of the GFM1 protein (p.Arg394Trp). The arginine residue is highly conserved and there is a moderate physicochemical difference between arginine and tryptophan. This variant is present in population databases (rs183140307, ExAC 0.03%). This variant has not been reported in the literature in individuals affected with GFM1-related conditions. Algorithms developed to predict the effect of missense changes on protein structure and function (SIFT, PolyPhen-2, Align-GVGD) all suggest that this variant is likely to be disruptive. In summary, the available evidence is currently insufficient to determine the role of this variant in disease. Therefore, it has been classified as a Variant of Uncertain Significance.

Natera, Inc.
Classification: Uncertain significance for Combined oxidative phosphorylation deficiency 1. Last evaluated: 2020-06-12. Review status: no assertion criteria provided. Collection method: clinical testing. Allele origin: germline. Not counted in ClinVar's aggregate classification.